The following is an entry in ClinVar:

NM_001267550.2(TTN):c.18669G>A (p.Thr6223=)

Genes: TTN (titin; minus strand), LOC126806430 (BRD4-independent group 4 enhancer GRCh37_chr2:179593794-179594993; plus strand). Cytogenetic location: 2q31.2.
Variant type: single nucleotide variant.
Coding change: c.18669G>A on transcript NM_001267550.2 (MANE Select); coding-DNA position 18669, G replaced by A.
Protein change: p.Thr6223=; no amino-acid change (threonine 6223 retained).
Molecular consequence: synonymous variant. On other transcripts: intron variant (3).
Genome position (GRCh38, 1-based): chr2:178,729,487, C>T on the plus strand (G>A on the coding strand, the complement: TTN is on the minus strand). VCF-style: chr2-178729487-C-T. GRCh37 (hg19) VCF-style: chr2-179594214-C-T.
Other names: c.17718G>A, p.Thr5906= (NM_001256850.1); c.14937G>A, p.Thr4979= (NM_133378.4); c.13282+8595G>A (NM_003319.4); c.13858+8595G>A (NM_133437.4); c.13657+8595G>A (NM_133432.3).
Identifiers: ClinVar variation 594414 (VCV000594414.23), dbSNP rs772600691, ClinGen allele CA2001564.

ClinVar aggregate classification (germline): Conflicting classifications of pathogenicity. Review status: criteria provided, conflicting classifications (1 of 4 stars). 10 submissions from 6 submitters: Uncertain significance (4); Benign (1); Likely benign (3). 2 of the submissions do not count toward it. Last evaluated 2026-03-23.

Conditions:
Dilated cardiomyopathy 1G (CMD1G). Identifiers: Orphanet 154, MedGen C1858763, MONDO:0011400, OMIM 604145.
Autosomal recessive limb-girdle muscular dystrophy type 2J (LGMDR10). Also called: MUSCULAR DYSTROPHY, LIMB-GIRDLE, AUTOSOMAL RECESSIVE 10; Limb-girdle muscular dystrophy, type 2J. Identifiers: Orphanet 140922, MedGen C1837342, MONDO:0012127, OMIM 608807.
TTN-related disorder. Also called: TTN-related condition; TTN-related disease; TTN-related disorders.
Myopathy, myofibrillar, 9, with early respiratory failure (MFM9). Also called: Myopathy, distal, with early respiratory failure, autosomal dominant; Hereditary myopathy with early respiratory failure; EDSTROM MYOPATHY; MYOPATHY, PROXIMAL, WITH EARLY RESPIRATORY MUSCLE INVOLVEMENT. Identifiers: Orphanet 178464, Orphanet 34521, MedGen C1863599, MONDO:0011362, OMIM 603689.
Early-onset myopathy with fatal cardiomyopathy (CMYO5). Also called: CONGENITAL MYOPATHY 5 WITH CARDIOMYOPATHY; Salih Myopathy. Identifiers: Orphanet 289377, MedGen C2673677, MONDO:0012714, OMIM 611705. Disease mechanism: loss of function.
Tibial muscular dystrophy (TMD). Also called: Tibial muscular dystrophy, tardive; Udd Distal Myopathy – Tibial Muscular Dystrophy; UDD MYOPATHY. Identifiers: Orphanet 609, MedGen C1838244, MONDO:0010870, OMIM 600334.

Allele frequency attached by ClinVar (database versions not stated): gnomAD 0.00001; gnomAD exomes 0.00001 and 0.00002; ExAC 0.00003; TOPMed 0.00003.
gnomAD v4.1: 19 of 1,613,434 alleles (0.0012%); highest among the groups gnomAD compares: Middle Eastern, 0.016%; no homozygotes.

Submissions (10):

PreventionGenetics, part of Exact Sciences
Classification: Likely benign for TTN-related condition. Last evaluated: 2026-03-23. Review status: criteria provided, single submitter. Criteria: ACMG Guidelines, 2015. Collection method: clinical testing. Allele origin: germline.
Comment: This variant is classified as likely benign based on ACMG/AMP sequence variant interpretation guidelines (Richards et al. 2015 PMID: 25741868, with internal and published modifications).

Labcorp Genetics (formerly Invitae), Labcorp
Classification: Likely benign for Dilated cardiomyopathy 1G; Autosomal recessive limb-girdle muscular dystrophy type 2J. Last evaluated: 2025-08-30. Review status: criteria provided, single submitter. Criteria: Invitae Variant Classification Sherloc (09022015). Collection method: clinical testing. Allele origin: germline.

Illumina Laboratory Services, Illumina
Classification: Likely benign for Myopathy, myofibrillar, 9, with early respiratory failure. Last evaluated: 2018-01-13. Review status: criteria provided, single submitter. Criteria: ICSL Variant Classification Criteria 13 December 2019. Collection method: clinical testing. Allele origin: germline.
Comment: This variant was observed in the ICSL laboratory as part of a predisposition screen in an ostensibly healthy population. It had not been previously curated by ICSL or reported in the Human Gene Mutation Database (HGMD: prior to June 1st, 2018), and was therefore a candidate for classification through an automated scoring system. Utilizing variant allele frequency, disease prevalence and penetrance estimates, and inheritance mode, an automated score was calculated to assess if this variant is too frequent to cause the disease. Based on the score and internal cut-off values, a variant classified as likely benign is not then subjected to further curation. The score for this variant resulted in a classification of likely benign for this disease.

Illumina Laboratory Services, Illumina
Classification: Uncertain significance for Dilated cardiomyopathy 1G. Last evaluated: 2018-01-13. Review status: criteria provided, single submitter. Criteria: ICSL Variant Classification Criteria 13 December 2019. Collection method: clinical testing. Allele origin: germline.

Illumina Laboratory Services, Illumina
Classification: Uncertain significance for Autosomal recessive limb-girdle muscular dystrophy type 2J. Last evaluated: 2018-01-13. Review status: criteria provided, single submitter. Criteria: ICSL Variant Classification Criteria 13 December 2019. Collection method: clinical testing. Allele origin: germline.

Illumina Laboratory Services, Illumina
Classification: Benign for Tibial muscular dystrophy. Last evaluated: 2018-01-13. Review status: criteria provided, single submitter. Criteria: ICSL Variant Classification Criteria 13 December 2019. Collection method: clinical testing. Allele origin: germline.
Comment: This variant was observed in the ICSL laboratory as part of a predisposition screen in an ostensibly healthy population. It had not been previously curated by ICSL or reported in the Human Gene Mutation Database (HGMD: prior to June 1st, 2018), and was therefore a candidate for classification through an automated scoring system. Utilizing variant allele frequency, disease prevalence and penetrance estimates, and inheritance mode, an automated score was calculated to assess if this variant is too frequent to cause the disease. Based on the score and internal cut-off values, a variant classified as benign is not then subjected to further curation. The score for this variant resulted in a classification of benign for this disease.

Illumina Laboratory Services, Illumina
Classification: Uncertain significance for Early-onset myopathy with fatal cardiomyopathy. Last evaluated: 2018-01-13. Review status: criteria provided, single submitter. Criteria: ICSL Variant Classification Criteria 13 December 2019. Collection method: clinical testing. Allele origin: germline.

Eurofins Ntd Llc (ga)
Classification: Uncertain significance. Last evaluated: 2017-10-06. Review status: criteria provided, single submitter. Criteria: EGL Classification Definitions 2015. Collection method: clinical testing. Allele origin: germline. Observed: 1 variant allele, 1 heterozygote.

Clinical Genetics DNA and cytogenetics Diagnostics Lab, Erasmus MC, Erasmus Medical Center
Classification: Likely benign. Review status: no assertion criteria provided. Collection method: clinical testing. Allele origin: germline. Affected: yes. Study: VKGL Data-share Consensus. Not counted in ClinVar's aggregate classification.

Clinical Genetics, Academic Medical Center
Classification: Benign. Review status: no assertion criteria provided. Collection method: clinical testing. Allele origin: germline. Affected: yes. Study: VKGL Data-share Consensus. Not counted in ClinVar's aggregate classification.